The following is an entry in ClinVar:

NM_000316.3(PTH1R):c.1198C>T (p.Arg400Trp)

Gene: PTH1R (parathyroid hormone 1 receptor; plus strand). Cytogenetic location: 3p21.31.
Variant type: single nucleotide variant.
Coding change: c.1198C>T on transcript NM_000316.3 (MANE Select); coding-DNA position 1198, C replaced by T.
Protein change: p.Arg400Trp; replaces arginine 400 with tryptophan.
Molecular consequence: missense variant.
Genome position (GRCh38, 1-based): chr3:46,901,847, C>T. VCF-style: chr3-46901847-C-T. GRCh37 (hg19) VCF-style: chr3-46943337-C-T.
Other names: c.1198C>T, p.Arg400Trp (NM_001184744.1); c.1198C>T (NM_000316.2); short protein forms R400W.
Identifiers: ClinVar variation 1371079 (VCV001371079.11), dbSNP rs775797881, ClinGen allele CA2359440.

ClinVar aggregate classification (germline): Uncertain significance. Review status: criteria provided, multiple submitters, no conflicts (2 of 4 stars). 3 submissions from 3 submitters: Uncertain significance (3). Last evaluated 2025-06-30.

Conditions:
Metaphyseal chondrodysplasia, Jansen type. Also called: Metaphyseal chondrodysplasia Murk Jansen type; PTH1R-Related Jansen Metaphyseal Chondrodysplasia. Identifiers: Orphanet 33067, MedGen C0265295, MONDO:0007982, OMIM 156400.
Primary failure of tooth eruption. Also called: DENTAL NONERUPTION; PRIMARY RETENTION OF TEETH; UNERUPTED SECOND PRIMARY MOLAR; POSTERIOR OPENBITE MALOCCLUSION, FAMILIAL. Identifiers: Orphanet 412206, MedGen C1852222, MONDO:0007434, OMIM 125350.
Chondrodysplasia Blomstrand type (BOCD). Identifiers: Orphanet 50945, MedGen C1859148, MONDO:0008970, OMIM 215045.
Eiken syndrome (EKNS). Also called: BONE MODELING DEFECT OF HANDS AND FEET. Identifiers: Orphanet 79106, MedGen C1838779, MONDO:0010803, OMIM 600002.
Inborn genetic diseases. Identifiers: MedGen C0950123, MeSH D030342.

Allele frequency attached by ClinVar (database versions not stated): TOPMed 0.00001; gnomAD 0.00002.

Submissions (3):

Ambry Genetics
Classification: Uncertain significance for Inborn genetic diseases. Last evaluated: 2025-06-30. Review status: criteria provided, single submitter. Criteria: Ambry Variant Classification Scheme 2023. Collection method: clinical testing. Allele origin: germline.

Labcorp Genetics (formerly Invitae), Labcorp
Classification: Uncertain significance. Last evaluated: 2025-01-12. Review status: criteria provided, single submitter. Criteria: Invitae Variant Classification Sherloc (09022015). Collection method: clinical testing. Allele origin: germline.
Comment: This sequence change replaces arginine, which is basic and polar, with tryptophan, which is neutral and slightly polar, at codon 400 of the PTH1R protein (p.Arg400Trp). This variant is present in population databases (rs775797881, gnomAD 0.01%). This variant has not been reported in the literature in individuals affected with PTH1R-related conditions. ClinVar contains an entry for this variant (Variation ID: 1371079). Invitae Evidence Modeling of protein sequence and biophysical properties (such as structural, functional, and spatial information, amino acid conservation, physicochemical variation, residue mobility, and thermodynamic stability) indicates that this missense variant is expected to disrupt PTH1R protein function with a positive predictive value of 80%. In summary, the available evidence is currently insufficient to determine the role of this variant in disease. Therefore, it has been classified as a Variant of Uncertain Significance.

Fulgent Genetics
Classification: Uncertain significance for Primary failure of tooth eruption; Metaphyseal chondrodysplasia, Jansen type; Chondrodysplasia Blomstrand type; Eiken syndrome. Last evaluated: 2024-04-10. Review status: criteria provided, single submitter. Criteria: ACMG Guidelines, 2015. Collection method: clinical testing. Allele origin: germline.